The following is an entry in ClinVar:

NM_004385.5(VCAN):c.5849A>G (p.Lys1950Arg)

Genes: VCAN (versican; plus strand), VCAN-AS1 (VCAN antisense RNA 1; minus strand). Cytogenetic location: 5q14.3.
Variant type: single nucleotide variant.
Coding change: c.5849A>G on transcript NM_004385.5 (MANE Select); coding-DNA position 5849, A replaced by G.
Protein change: p.Lys1950Arg; replaces lysine 1950 with arginine.
Molecular consequence: missense variant. On other transcripts: intron variant (2).
Genome position (GRCh38, 1-based): chr5:83,538,852, A>G. VCF-style: chr5-83538852-A-G. GRCh37 (hg19) VCF-style: chr5-82834671-A-G.
Other names: c.2888A>G, p.Lys963Arg (NM_001164097.2); c.4004-6685A>G (NM_001164098.2); c.1043-6685A>G (NM_001126336.3); short protein forms K1950R, K963R.
Identifiers: ClinVar variation 1505335 (VCV001505335.8), dbSNP rs1418942710, ClinGen allele CA360311284.

ClinVar aggregate classification (germline): Uncertain significance (1 of 4 stars; one submission).

Submission:

Labcorp Genetics (formerly Invitae), Labcorp
Classification: Uncertain significance. Last evaluated: 2025-12-08. Review status: criteria provided, single submitter. Criteria: Invitae Variant Classification Sherloc (09022015). Collection method: clinical testing. Allele origin: germline.
Comment: This sequence change replaces lysine, which is basic and polar, with arginine, which is basic and polar, at codon 1950 of the VCAN protein (p.Lys1950Arg). This variant is not present in population databases (gnomAD no frequency). This variant has not been reported in the literature in individuals affected with VCAN-related conditions. ClinVar contains an entry for this variant (Variation ID: 1505335). An algorithm developed to predict the effect of missense changes on protein structure and function outputs the following: PolyPhen-2: "Benign". The arginine amino acid residue is found in multiple mammalian species, which suggests that this missense change does not adversely affect protein function. In summary, the available evidence is currently insufficient to determine the role of this variant in disease. Therefore, it has been classified as a Variant of Uncertain Significance.